The following is an entry in ClinVar:

ClinVar aggregate classification (germline): Likely pathogenic (1 of 4 stars; one submission).

Conditions:
Hereditary spherocytosis type 2. Also called: SPHEROCYTOSIS, TYPE 2, AUTOSOMAL DOMINANT. Identifiers: Orphanet 822, MedGen C2674219, MONDO:0000913, OMIM 616649.

Submission:

Neuberg Centre For Genomic Medicine, NCGM
Classification: Likely pathogenic for Hereditary spherocytosis type 2. Review status: criteria provided, single submitter. Criteria: ACMG Guidelines, 2015. Collection method: clinical testing. Allele origin: germline. Inheritance: Autosomal dominant inheritance. Affected: yes.
Comment: The stop gained p.K641* in SPTB (NM_001355436.2) has not been reported previously as a pathogenic variant nor as a benign variant, to our knowledge. The p.K641* variant is novel (not in any individuals) in gnomAD Exomes and is novel (not in any individuals) in 1000 Genomes. This variant is predicted to cause loss of normal protein function through protein truncation.For these reasons, this variant has been classified as Likely Pathogenic.

NM_001355436.2(SPTB):c.1921A>T (p.Lys641Ter)

Gene: SPTB (spectrin beta, erythrocytic; minus strand). Cytogenetic location: 14q23.3.
Variant type: single nucleotide variant.
Coding change: c.1921A>T on transcript NM_001355436.2 (MANE Select); coding-DNA position 1921, A replaced by T.
Protein change: p.Lys641Ter; replaces lysine 641 with a stop codon.
Molecular consequence: nonsense.
Genome position (GRCh38, 1-based): chr14:64,793,742, T>A on the plus strand (A>T on the coding strand, the complement: SPTB is on the minus strand). VCF-style: chr14-64793742-T-A. GRCh37 (hg19) VCF-style: chr14-65260460-T-A.
Other names: NM_000347.5:c.1921A>T; c.1921A>T, p.Lys641Ter (NM_001024858.4, NM_001355437.2); short protein forms K641*.
Identifiers: ClinVar variation 2627545 (VCV002627545.1), dbSNP rs2503162325, ClinGen allele CA390020507.